The following is an entry in ClinVar:

ClinVar aggregate classification (germline): Uncertain significance (1 of 4 stars; one submission).

Conditions:
Intellectual developmental disorder, autosomal dominant 1. Also called: Intellectual disability, autosomal dominant 1; MBD5 Haploinsufficiency. Identifiers: Orphanet 228402, MedGen C1969562, MONDO:0007974, OMIM 156200.

Allele frequency attached by ClinVar (database versions not stated): gnomAD exomes below 0.00001; TOPMed 0.00001.

Submission:

Labcorp Genetics (formerly Invitae), Labcorp
Classification: Uncertain significance for Intellectual developmental disorder, autosomal dominant 1. Last evaluated: 2023-08-04. Review status: criteria provided, single submitter. Criteria: Invitae Variant Classification Sherloc (09022015). Collection method: clinical testing. Allele origin: germline.
Comment: In summary, the available evidence is currently insufficient to determine the role of this variant in disease. Therefore, it has been classified as a Variant of Uncertain Significance. Advanced modeling of protein sequence and biophysical properties (such as structural, functional, and spatial information, amino acid conservation, physicochemical variation, residue mobility, and thermodynamic stability) performed at Invitae indicates that this missense variant is not expected to disrupt MBD5 protein function. ClinVar contains an entry for this variant (Variation ID: 853437). This variant has not been reported in the literature in individuals affected with MBD5-related conditions. This variant is not present in population databases (gnomAD no frequency). This sequence change replaces threonine, which is neutral and polar, with isoleucine, which is neutral and non-polar, at codon 862 of the MBD5 protein (p.Thr862Ile).

NM_001378120.1(MBD5):c.2585C>T (p.Thr862Ile)

Gene: MBD5 (methyl-CpG binding domain protein 5; plus strand). Cytogenetic location: 2q23.1.
Variant type: single nucleotide variant.
Coding change: c.2585C>T on transcript NM_001378120.1 (MANE Select); coding-DNA position 2585, C replaced by T.
Protein change: p.Thr862Ile; replaces threonine 862 with isoleucine.
Molecular consequence: missense variant.
Genome position (GRCh38, 1-based): chr2:148,483,176, C>T. VCF-style: chr2-148483176-C-T. GRCh37 (hg19) VCF-style: chr2-149240745-C-T.
Other names: c.2585C>T, p.Thr862Ile (NM_018328.5); short protein forms T862I.
Identifiers: ClinVar variation 853437 (VCV000853437.10), dbSNP rs1681217722, ClinGen allele CA348722272.